The following is an entry in ClinVar:

NM_000642.3(AGL):c.3055del (p.Leu1019fs)

Gene: AGL (amylo-alpha-1,6-glucosidase and 4-alpha-glucanotransferase; plus strand). Cytogenetic location: 1p21.2.
Variant type: Deletion.
Coding change: c.3055del on transcript NM_000642.3 (MANE Select); coding-DNA position 3055, one base deleted (C; older notation c.3055delC).
Protein change: p.Leu1019fs; shifts the reading frame from leucine 1019.
Molecular consequence: frameshift variant.
Genome position (GRCh38, 1-based): chr1:99,891,711, C deleted. VCF-style (leftmost placement, unchanged base first): chr1-99891710-TC-T. GRCh37 (hg19) VCF-style: chr1-100357266-TC-T.
Other names: c.3055del, p.Leu1019fs (NM_000028.3, NM_000643.3, NM_000644.3 and 1 more transcripts); c.3007del, p.Leu1003fs (NM_000646.3); c.3034del, p.Leu1012fs (NM_001425326.1); c.2854del, p.Leu952fs (NM_001425327.1); c.2851del, p.Leu951fs (NM_001425328.1); c.2716del, p.Leu906fs (NM_001425329.1); c.2677del, p.Leu893fs (NM_001425332.1); short protein forms L1003fs, L1012fs, L1019fs, L893fs, L906fs, L951fs, L952fs.
Identifiers: ClinVar variation 4814445 (VCV004814445.1).

ClinVar aggregate classification (germline): Likely pathogenic (1 of 4 stars; one submission).

Conditions:
Glycogen storage disease type III (GSD3). Also called: FORBES DISEASE; Cori disease. Identifiers: Orphanet 366, MedGen C0017922, MONDO:0009291, OMIM 232400.

Submission:

Natera, Inc.
Classification: Likely pathogenic for Glycogen storage disease type III. Last evaluated: 2024-05-15. Review status: criteria provided, single submitter. Criteria: Natera Variant Classification Schema (03/2026). Collection method: clinical testing. Allele origin: germline.
Comment: The c.3055del variant in AGL is a frameshift variant predicted to shift the reading frame beginning at codon 1019 and leads to a stop codon 19 codons downstream. This variant is expected to result in nonsense mediated decay, truncation, or a dysfunctional protein product. This variant is rare in the general population with a frequency below the threshold expected for the associated phenotype(s). Given the available evidence, this variant is classified as Likely Pathogenic.